The following is an entry in ClinVar:

NM_001114134.2(EPB42):c.483C>T (p.Asn161=)

Gene: EPB42 (erythrocyte membrane protein band 4.2; minus strand). Cytogenetic location: 15q15.2.
Variant type: single nucleotide variant.
Coding change: c.483C>T on transcript NM_001114134.2 (MANE Select); coding-DNA position 483, C replaced by T.
Protein change: p.Asn161=; no amino-acid change (asparagine 161 retained).
Molecular consequence: synonymous variant.
Genome position (GRCh38, 1-based): chr15:43,211,482, G>A on the plus strand (C>T on the coding strand, the complement: EPB42 is on the minus strand). VCF-style: chr15-43211482-G-A. GRCh37 (hg19) VCF-style: chr15-43503680-G-A.
Other names: c.573C>T, p.Asn191= (NM_000119.3).
Identifiers: ClinVar variation 2645267 (VCV002645267.24), dbSNP rs748045485, ClinGen allele CA7520600.

ClinVar aggregate classification (germline): Likely benign (1 of 4 stars; one submission).

Allele frequency attached by ClinVar (database versions not stated): gnomAD 0.00001; ExAC 0.00007.
gnomAD v4.1: 42 of 1,614,018 alleles (0.0026%); highest among the groups gnomAD compares: South Asian, 0.045%; no homozygotes.

Submission:

CeGaT Center for Human Genetics Tuebingen
Classification: Likely benign. Last evaluated: 2022-03-01. Review status: criteria provided, single submitter. Criteria: CeGaT Center For Human Genetics Tuebingen Variant Classification Criteria Version 2. Collection method: clinical testing. Allele origin: germline. Affected: yes. Observed: 1 variant allele.
Comment: EPB42: BP4, BP7